The following is an entry in ClinVar:

ClinVar aggregate classification (germline): Uncertain significance. Review status: criteria provided, multiple submitters, no conflicts (2 of 4 stars). 2 submissions from 2 submitters: Uncertain significance (2). Last evaluated 2025-02-28.

Conditions:
Hereditary breast ovarian cancer syndrome. Also called: Hereditary breast and/or ovarian cancer syndrome; BRCA1- and BRCA2-Associated Hereditary Breast and Ovarian Cancer; Hereditary breast and ovarian cancer syndrome; Hereditary breast and ovarian cancer; Hereditary breast and ovarian cancer syndrome (HBOC); Breast and ovarian cancer. Identifiers: Orphanet 145, MedGen C0677776, MeSH D061325, MONDO:0003582. Disease mechanism: loss of function.
Hereditary cancer-predisposing syndrome. Also called: Neoplastic Syndromes, Hereditary; Tumor predisposition; Hereditary Cancer Syndrome; Hereditary neoplastic syndrome. Identifiers: Orphanet 140162, MedGen C0027672, MeSH D009386, MONDO:0015356.

Allele frequency attached by ClinVar (database versions not stated): TOPMed below 0.00001.

Submissions (2):

Labcorp Genetics (formerly Invitae), Labcorp
Classification: Uncertain significance for Hereditary breast ovarian cancer syndrome. Last evaluated: 2025-02-28. Review status: criteria provided, single submitter. Criteria: Invitae Variant Classification Sherloc (09022015). Collection method: clinical testing. Allele origin: germline.
Comment: This variant, c.1575_1577del, results in the deletion of 1 amino acid(s) of the BRCA1 protein (p.Gln526del), but otherwise preserves the integrity of the reading frame. This variant is not present in population databases (gnomAD no frequency). This variant has not been reported in the literature in individuals affected with BRCA1-related conditions. ClinVar contains an entry for this variant (Variation ID: 819564). Experimental studies and prediction algorithms are not available or were not evaluated, and the functional significance of this variant is currently unknown. In summary, the available evidence is currently insufficient to determine the role of this variant in disease. Therefore, it has been classified as a Variant of Uncertain Significance.

Ambry Genetics
Classification: Uncertain significance for Hereditary cancer-predisposing syndrome. Last evaluated: 2023-11-27. Review status: criteria provided, single submitter. Criteria: Ambry Variant Classification Scheme 2023. Collection method: clinical testing. Allele origin: germline.
Comment: The c.1575_1577delTCA variant (also known as p.Q526del) is located in coding exon 9 of the BRCA1 gene. This variant results from an in-frame TCA deletion at nucleotide positions 1575 to 1577. This results in the in-frame deletion of a glutamine at codon 526. This amino acid position is not well conserved in available vertebrate species. In addition, this alteration is predicted to be deleterious by in silico analysis. Since supporting evidence is limited at this time, the clinical significance of this alteration remains unclear.

NM_007294.4(BRCA1):c.1575_1577del (p.Gln526del)

Gene: BRCA1 (BRCA1 DNA repair associated; minus strand). Cytogenetic location: 17q21.31.
Variant type: Deletion.
Coding change: c.1575_1577del on transcript NM_007294.4 (MANE Select); coding-DNA positions 1575 to 1577, 3 bases deleted (TCA; older notation c.1575_1577delTCA).
Protein change: p.Gln526del; deletes glutamine 526.
Molecular consequence: inframe deletion. On other transcripts: intron variant (137).
Genome position (GRCh38, 1-based): chr17:43,093,954-43,093,956, TGA deleted on the plus strand (TCA on the coding strand, the reverse complement: BRCA1 is on the minus strand). VCF-style (leftmost placement, unchanged base first): chr17-43093953-TTGA-T. GRCh37 (hg19) VCF-style: chr17-41245970-TTGA-T.
Other names: c.1362_1364del, p.Gln455del (NM_001407895.1, NM_001407896.1, NM_001407897.1 and 9 more transcripts); c.1572_1574del, p.Gln525del (NM_001407612.1, NM_001407613.1, NM_001407614.1 and 22 more transcripts); c.1575_1577del, p.Gln526del (NM_001407616.1, NM_001407619.1, NM_001407620.1 and 30 more transcripts); c.1365_1367del, p.Gln456del (NM_001407902.1, NM_001407904.1, NM_001407906.1 and 13 more transcripts); c.1374_1376del, p.Gln459del (NM_001407862.1); c.1452_1454del, p.Gln485del (NM_001407863.1, NM_001407919.1, NM_001407937.1 and 19 more transcripts); c.1371_1373del, p.Gln458del (NM_001407874.1, NM_001407875.1); c.1311_1313del, p.Gln438del (NM_001407920.1, NM_001407921.1, NM_001407922.1 and 9 more transcripts); and 40 more; short protein forms Q479del, Q526del, Q399del, Q484del, Q485del, Q415del, Q437del, Q438del.
Identifiers: ClinVar variation 819564 (VCV000819564.6), dbSNP rs1166480240, ClinGen allele CA772199268.
Genomic context (GRCh38, chr17:43,093,953, plus strand): 5'-CATCACTTGACCATTCTGCTCCGTTTGGTTAGTTCCCTGATTTATCATTTCAGGAGTCTT[TTGA>T]ACTGCCAAATCTGCTTTCTTGATAAAATCCTCAGGATGAAGGCCTGATGTAGGTCTCCTT-3'